The following is an entry in ClinVar:

NM_000256.3(MYBPC3):c.743_746del (p.Asp248fs)

Gene: MYBPC3 (myosin binding protein C3; minus strand). Cytogenetic location: 11p11.2.
Variant type: Deletion.
Coding change: c.743_746del on transcript NM_000256.3 (MANE Select); coding-DNA positions 743 to 746, 4 bases deleted (ACTG; older notation c.743_746delACTG).
Protein change: p.Asp248fs; shifts the reading frame from aspartic acid 248.
Molecular consequence: frameshift variant.
Genome position (GRCh38, 1-based): chr11:47,348,450-47,348,453, CAGT deleted on the plus strand (ACTG on the coding strand, the reverse complement: MYBPC3 is on the minus strand); deleting any 4 consecutive bases within chr11:47,348,450-47,348,455 gives the same sequence; the c. name uses the placement nearest the transcript's 3' end. VCF-style (leftmost placement, unchanged base first): chr11-47348449-GCAGT-G. GRCh37 (hg19) VCF-style: chr11-47370000-GCAGT-G.
Other names: short protein forms D248fs.
Identifiers: ClinVar variation 2735602 (VCV002735602.4), dbSNP rs1565630293, ClinGen allele CA599060114.

ClinVar aggregate classification (germline): Pathogenic. Review status: criteria provided, multiple submitters, no conflicts (2 of 4 stars). 2 submissions from 2 submitters: Pathogenic (2). Last evaluated 2022-11-24.

Conditions:
Hypertrophic cardiomyopathy. Also called: HYPERTROPHIC MYOCARDIOPATHY. Identifiers: Orphanet 217569, MedGen C0007194, MeSH D002312, MONDO:0005045, HP:0001639.
MYBPC3-related disorder. Also called: MYBPC3-related disorders; MYBPC3-related condition; MYBPC3-related disease.

Submissions (2):

Labcorp Genetics (formerly Invitae), Labcorp
Classification: Pathogenic for Hypertrophic cardiomyopathy. Last evaluated: 2022-11-24. Review status: criteria provided, single submitter. Criteria: Invitae Variant Classification Sherloc (09022015). Collection method: clinical testing. Allele origin: germline.
Comment: This premature translational stop signal has been observed in individual(s) with hypertrophic cardiomyopathy (PMID: 25132132, 33673806). For these reasons, this variant has been classified as Pathogenic. This variant is present in population databases (no rsID available, gnomAD no frequency). This sequence change creates a premature translational stop signal (p.Asp248Alafs*51) in the MYBPC3 gene. It is expected to result in an absent or disrupted protein product. Loss-of-function variants in MYBPC3 are known to be pathogenic (PMID: 19574547).

Blueprint Genetics
Classification: Pathogenic for MYBPC3-related disorders. Last evaluated: 2022-02-23. Review status: criteria provided, single submitter. Criteria: ACMG Guidelines, 2015. Collection method: clinical testing. Allele origin: germline. Affected: yes. Observed: 1 variant allele.

Literature cited by the submitters: PubMed 25132132 (cited by Labcorp Genetics (formerly Invitae), Labcorp); PubMed 33673806 (cited by Labcorp Genetics (formerly Invitae), Labcorp); PubMed 19574547 (cited by Labcorp Genetics (formerly Invitae), Labcorp).